The following is an entry in ClinVar:

NM_007254.4(PNKP):c.61C>T (p.Pro21Ser)

Gene: PNKP (polynucleotide kinase 3'-phosphatase; minus strand). Cytogenetic location: 19q13.33.
Variant type: single nucleotide variant.
Coding change: c.61C>T on transcript NM_007254.4 (MANE Select); coding-DNA position 61, C replaced by T.
Protein change: p.Pro21Ser; replaces proline 21 with serine.
Molecular consequence: missense variant.
Genome position (GRCh38, 1-based): chr19:49,867,144, G>A on the plus strand (C>T on the coding strand, the complement: PNKP is on the minus strand). VCF-style: chr19-49867144-G-A. GRCh37 (hg19) VCF-style: chr19-50370401-G-A.
Other names: c.61C>T (NM_007254.3); short protein forms P21S.
Identifiers: ClinVar variation 1717889 (VCV001717889.7), dbSNP rs201748578, ClinGen allele CA9587090.
Genomic context (GRCh38, chr19:49,867,144, plus strand): 5'-CCTGGGTCAGGGGTCCCCTGCCCAGGACCAGGGCTTGCCCGTCCGAGGGCAGGAAGATGG[G>A]GGGCGCTCCCCCAGGGGGGCTCTCGAGCCACAAGCGGCCCGGGGCCTCCACCTCGCCCAT-3'
Protein context (NP_009185.2, residues 11-31): WLESPPGGAP[Pro21Ser]IFLPSDGQAL

ClinVar aggregate classification (germline): Uncertain significance. Review status: criteria provided, multiple submitters, no conflicts (2 of 4 stars). 2 submissions from 2 submitters: Uncertain significance (2). Last evaluated 2025-04-14.

Conditions:
Developmental and epileptic encephalopathy, 12 (DEE12). Identifiers: MedGen C3150988, MONDO:0013389, OMIM 613722.
Microcephaly, seizures, and developmental delay. Identifiers: Orphanet 1934, MedGen C3150667, MONDO:0013254, OMIM 613402.

Submissions (2):

Labcorp Genetics (formerly Invitae), Labcorp
Classification: Uncertain significance for Developmental and epileptic encephalopathy, 12. Last evaluated: 2025-04-14. Review status: criteria provided, single submitter. Criteria: Invitae Variant Classification Sherloc (09022015). Collection method: clinical testing. Allele origin: germline.
Comment: This sequence change replaces proline, which is neutral and non-polar, with serine, which is neutral and polar, at codon 21 of the PNKP protein (p.Pro21Ser). This variant is present in population databases (rs201748578, gnomAD 0.003%). This variant has not been reported in the literature in individuals affected with PNKP-related conditions. ClinVar contains an entry for this variant (Variation ID: 1717889). An algorithm developed to predict the effect of missense changes on protein structure and function (PolyPhen-2) suggests that this variant is likely to be disruptive. In summary, the available evidence is currently insufficient to determine the role of this variant in disease. Therefore, it has been classified as a Variant of Uncertain Significance.

Victorian Clinical Genetics Services, Murdoch Childrens Research Institute
Classification: Uncertain significance for Microcephaly, seizures, and developmental delay. Last evaluated: 2024-10-10. Review status: criteria provided, single submitter. Criteria: ACMG Guidelines, 2015. Collection method: clinical testing. Allele origin: germline. Inheritance: Autosomal recessive inheritance. Affected: yes.
Comment: Based on the classification scheme VCGS_Germline_v1.3.5, this variant is classified as VUS-3A. Following criteria are met: 0102 - Loss of function is a known mechanism of disease in this gene and is associated with ataxia-oculomotor apraxia 4 (MIM#616267), and microcephaly, seizures, and developmental delay (MIM#613402). (I) 0106 - This gene is associated with autosomal recessive disease. (I) 0200 - Variant is predicted to result in a missense amino acid change from proline to serine. (I) 0251 - This variant is heterozygous. (I) 0304 - Variant is present in gnomAD (v4) <0.01 for a recessive condition (1 heterozygote, 0 homozygotes). (SP) 0309 - An alternative amino acid change at the same position has been observed in gnomAD (v4; 46 heterozygotes, 0 homozygotes). (I) 0502 - Missense variant with conflicting in silico predictions and uninformative conservation. (I) 0600 - Variant is located in the annotated FHA domain (DECIPHER). (I) 0710 - Another missense variant comparable to the one identified in this case has inconclusive previous evidence for pathogenicity. p.(Pro21Ala) has one VUS report (ClinVar). (I) 0809 - Previous evidence of pathogenicity for this variant is inconclusive. This variant has one VUS report (ClinVar). (I) 0905 - No published segregation evidence has been identified for this variant. (I) 1007 - No published functional evidence has been identified for this variant. (I) 1201 - Heterozygous variant detected in trans with a second pathogenic heterozygous variant (IGV) in a recessive disease. (I) Legend: (SP) - Supporting pathogenic, (I) - Information, (SB) - Supporting benign